The following is an entry in ClinVar:

NM_000400.4(ERCC2):c.2258T>C (p.Ile753Thr)

Gene: ERCC2 (ERCC excision repair 2, TFIIH core complex helicase subunit; minus strand). Cytogenetic location: 19q13.32.
Variant type: single nucleotide variant.
Coding change: c.2258T>C on transcript NM_000400.4 (MANE Select); coding-DNA position 2258, T replaced by C.
Protein change: p.Ile753Thr; replaces isoleucine 753 with threonine.
Molecular consequence: missense variant.
Genome position (GRCh38, 1-based): chr19:45,351,654, A>G on the plus strand (T>C on the coding strand, the complement: ERCC2 is on the minus strand). VCF-style: chr19-45351654-A-G. GRCh37 (hg19) VCF-style: chr19-45854912-A-G.
Other names: short protein forms I753T.
Identifiers: ClinVar variation 3231688 (VCV003231688.1), dbSNP rs2513994506, ClinGen allele CA406360291.

ClinVar aggregate classification (germline): Uncertain significance (1 of 4 stars; one submission).

Conditions:
Inborn genetic diseases. Identifiers: MedGen C0950123, MeSH D030342.

Submission:

Ambry Genetics
Classification: Uncertain significance for Inborn genetic diseases. Last evaluated: 2023-12-18. Review status: criteria provided, single submitter. Criteria: Ambry Variant Classification Scheme 2023. Collection method: clinical testing. Allele origin: germline.
Comment: The p.I753T variant (also known as c.2258T>C), located in coding exon 23 of the ERCC2 gene, results from a T to C substitution at nucleotide position 2258. The isoleucine at codon 753 is replaced by threonine, an amino acid with similar properties. This amino acid position is conserved. In addition, the in silico prediction for this alteration is inconclusive. Since supporting evidence is limited at this time, the clinical significance of this alteration remains unclear.